The following is an entry in ClinVar:

ClinVar aggregate classification (germline): Uncertain significance. Review status: criteria provided, multiple submitters, no conflicts (2 of 4 stars). 5 submissions from 5 submitters: Uncertain significance (4). 1 of the submissions does not count toward it. Last evaluated 2024-05-29.

Conditions:
Hereditary cancer-predisposing syndrome. Also called: Hereditary neoplastic syndrome; Hereditary Cancer Syndrome; Neoplastic Syndromes, Hereditary; Tumor predisposition. Identifiers: Orphanet 140162, MedGen C0027672, MeSH D009386, MONDO:0015356.
Neuroblastoma, susceptibility to, 3. Also called: ALK-Related Neuroblastic Tumor Susceptibility. Identifiers: Orphanet 635, MedGen C2751681, MONDO:0013083, OMIM 613014.

Submissions (5):

Labcorp Genetics (formerly Invitae), Labcorp
Classification: Uncertain significance for Neuroblastoma, susceptibility to, 3. Last evaluated: 2024-05-29. Review status: criteria provided, single submitter. Criteria: Invitae Variant Classification Sherloc (09022015). Collection method: clinical testing. Allele origin: germline.
Comment: This sequence change replaces histidine, which is basic and polar, with arginine, which is basic and polar, at codon 1576 of the ALK protein (p.His1576Arg). This variant is not present in population databases (gnomAD no frequency). This variant has not been reported in the literature in individuals affected with ALK-related conditions. ClinVar contains an entry for this variant (Variation ID: 1368985). An algorithm developed to predict the effect of missense changes on protein structure and function (PolyPhen-2) suggests that this variant is likely to be disruptive. In summary, the available evidence is currently insufficient to determine the role of this variant in disease. Therefore, it has been classified as a Variant of Uncertain Significance.

Fulgent Genetics
Classification: Uncertain significance for Neuroblastoma, susceptibility to, 3. Last evaluated: 2024-05-10. Review status: criteria provided, single submitter. Criteria: ACMG Guidelines, 2015. Collection method: clinical testing. Allele origin: germline.

Baylor Genetics
Classification: Uncertain significance for Neuroblastoma, susceptibility to, 3. Last evaluated: 2024-02-21. Review status: criteria provided, single submitter. Criteria: ACMG Guidelines, 2015. Collection method: clinical testing. Allele origin: unknown.

Ambry Genetics
Classification: Uncertain significance for Hereditary cancer-predisposing syndrome. Last evaluated: 2022-07-11. Review status: criteria provided, single submitter. Criteria: Ambry Variant Classification Scheme 2023. Collection method: clinical testing. Allele origin: germline.
Comment: The p.H1576R variant (also known as c.4727A>G), located in coding exon 29 of the ALK gene, results from an A to G substitution at nucleotide position 4727. The histidine at codon 1576 is replaced by arginine, an amino acid with highly similar properties. This amino acid position is conserved. In addition, this alteration is predicted to be tolerated by in silico analysis. Since supporting evidence is limited at this time, the clinical significance of this alteration remains unclear.

Genetic Services Laboratory, University of Chicago
Classification: Uncertain significance. Last evaluated: 2022-05-11. Review status: no assertion criteria provided. Collection method: clinical testing. Allele origin: germline. Affected: no. Not counted in ClinVar's aggregate classification.
Comment: DNA sequence analysis of the ALK gene demonstrated a sequence change, c.4727A>G, in exon 29 that results in an amino acid change, p.His1576Arg. This sequence change does not appear to have been previously described in individuals with ALK-related disorders and has also not been described in population databases such as ExAC and gnomAD. The p.His1576Arg change affects a moderately conserved amino acid residue located in a domain of the ALK protein that is not known to be functional. The p.His1576Arg substitution appears to be benign using several in-silico pathogenicity prediction tools (SIFT, PolyPhen2, Align GVGD, REVEL). Due to insufficient evidences and the lack of functional studies, the clinical significance of the p.His1576Arg change remains unknown at this time.

NM_004304.5(ALK):c.4727A>G (p.His1576Arg)

Gene: ALK (ALK receptor tyrosine kinase; minus strand). Cytogenetic location: 2p23.2.
Variant type: single nucleotide variant.
Coding change: c.4727A>G on transcript NM_004304.5 (MANE Select); coding-DNA position 4727, A replaced by G.
Protein change: p.His1576Arg; replaces histidine 1576 with arginine.
Molecular consequence: missense variant.
Genome position (GRCh38, 1-based): chr2:29,193,360, T>C on the plus strand (A>G on the coding strand, the complement: ALK is on the minus strand). VCF-style: chr2-29193360-T-C. GRCh37 (hg19) VCF-style: chr2-29416226-T-C.
Other names: c.1523A>G, p.His508Arg (NM_001353765.2); c.4727A>G (NM_004304.3); short protein forms H1576R, H508R.
Identifiers: ClinVar variation 1368985 (VCV001368985.13), dbSNP rs2148137340, ClinGen allele CA346460376.